The following is an entry in ClinVar:

ClinVar aggregate classification (germline): Uncertain significance. Review status: criteria provided, multiple submitters, no conflicts (2 of 4 stars). 2 submissions from 2 submitters: Uncertain significance (2). Last evaluated 2025-12-26.

Conditions:
Marfan syndrome (MFS). Also called: MARFAN SYNDROME, TYPE I; Marfan syndrome type 1; Marfan's syndrome; Marfan syndrome, classic; FBN1-Related Marfan Syndrome. Identifiers: Orphanet 284963, Orphanet 558, MedGen C0024796, MONDO:0007947, OMIM 154700.
Familial thoracic aortic aneurysm and aortic dissection (TAAD). Also called: Thoracic aortic aneurysms and dissections. Identifiers: Orphanet 91387, MedGen C4707243, MONDO:0019625.

Submissions (2):

Labcorp Genetics (formerly Invitae), Labcorp
Classification: Uncertain significance for Marfan syndrome; Familial thoracic aortic aneurysm and aortic dissection. Last evaluated: 2025-12-26. Review status: criteria provided, single submitter. Criteria: Invitae Variant Classification Sherloc (09022015). Collection method: clinical testing. Allele origin: germline.
Comment: This sequence change replaces phenylalanine, which is neutral and non-polar, with leucine, which is neutral and non-polar, at codon 2679 of the FBN1 protein (p.Phe2679Leu). This variant is not present in population databases (gnomAD no frequency). This variant has not been reported in the literature in individuals affected with FBN1-related conditions. ClinVar contains an entry for this variant (Variation ID: 3070600). Invitae Evidence Modeling of protein sequence and biophysical properties (such as structural, functional, and spatial information, amino acid conservation, physicochemical variation, residue mobility, and thermodynamic stability) indicates that this missense variant is not expected to disrupt FBN1 protein function with a negative predictive value of 95%. In summary, the available evidence is currently insufficient to determine the role of this variant in disease. Therefore, it has been classified as a Variant of Uncertain Significance.

All of Us Research Program, National Institutes of Health
Classification: Uncertain significance for Marfan syndrome. Last evaluated: 2023-04-27. Review status: criteria provided, single submitter. Criteria: ACMG Guidelines, 2015. Collection method: clinical testing. Allele origin: germline. Inheritance: Autosomal dominant inheritance. Observed: 1 variant allele, 1 heterozygote.
Comment: This study involves interpretation of variants in research participants for the purpose of population health screening. Participant phenotype was not available at the time of variant classification. Additional details can be found in publication PMID: 35346344, PMCID: PMC8962531

NM_000138.5(FBN1):c.8037C>G (p.Phe2679Leu)

Gene: FBN1 (fibrillin 1; minus strand). Cytogenetic location: 15q21.1.
Variant type: single nucleotide variant.
Coding change: c.8037C>G on transcript NM_000138.5 (MANE Select); coding-DNA position 8037, C replaced by G.
Protein change: p.Phe2679Leu; replaces phenylalanine 2679 with leucine.
Molecular consequence: missense variant.
Genome position (GRCh38, 1-based): chr15:48,415,550, G>C on the plus strand (C>G on the coding strand, the complement: FBN1 is on the minus strand). VCF-style: chr15-48415550-G-C. GRCh37 (hg19) VCF-style: chr15-48707747-G-C.
Other names: c.8037C>G, p.Phe2679Leu (NM_001406716.1); short protein forms F2679L.
Identifiers: ClinVar variation 3070600 (VCV003070600.2), dbSNP rs770541711, ClinGen allele CA392322521.